The following is an entry in ClinVar:

ClinVar aggregate classification (germline): Uncertain significance. Review status: criteria provided, multiple submitters, no conflicts (2 of 4 stars). 3 submissions from 3 submitters: Uncertain significance (3). Last evaluated 2025-01-05.

Conditions:
Cyclical neutropenia. Also called: Cyclic hematopoiesis; Cyclic Neutropenia. Identifiers: Orphanet 2686, MedGen C0221023, MONDO:0008090, OMIM 162800, HP:0040289. Disease mechanism: loss of function.
Neutropenia, severe congenital, 1, autosomal dominant. Identifiers: MedGen C1859966, MONDO:0042490, OMIM 202700.
Inborn genetic diseases. Identifiers: MedGen C0950123, MeSH D030342.

Allele frequency attached by ClinVar (database versions not stated): gnomAD exomes below 0.00001 and 0.00001; TOPMed below 0.00001; gnomAD 0.00001; ExAC 0.00002; 1000 Genomes Project 30x 0.00016; 1000 Genomes Project 0.00020.
gnomAD v4.1: 3 of 1,602,964 alleles (0.00019%); highest among the groups gnomAD compares: East Asian, 0.0045%; no homozygotes.

Submissions (3):

Ambry Genetics
Classification: Uncertain significance for Inborn genetic diseases. Last evaluated: 2025-01-05. Review status: criteria provided, single submitter. Criteria: Ambry Variant Classification Scheme 2023. Collection method: clinical testing. Allele origin: germline.
Comment: The p.A140V variant (also known as c.419C>T), located in coding exon 4 of the ELANE gene, results from a C to T substitution at nucleotide position 419. The alanine at codon 140 is replaced by valine, an amino acid with similar properties. This amino acid position is conserved. In addition, the in silico prediction for this alteration is inconclusive. Based on the available evidence, the clinical significance of this variant remains unclear.

St. Jude Molecular Pathology, St. Jude Children's Research Hospital
Classification: Uncertain significance for Neutropenia, severe congenital, 1, autosomal dominant. Last evaluated: 2024-05-27. Review status: criteria provided, single submitter. Criteria: St. Jude Assertion Criteria 2020. Collection method: clinical testing. Allele origin: germline.
Comment: The ELANE c.419C>T (p.Ala140Val) missense change has a maximum subpopulation frequency of 0.0055% in gnomAD v2.1.1. The in silico tool REVEL is inconclusive about a pathogenic or benign effect of this variant on protein function, and to our knowledge functional studies have not been performed. To our knowledge, this variant has not been reported in individuals with ELANE-related congenital neutropenia. In summary, the evidence currently available is insufficient to determine the clinical significance of this variant. It has therefore been classified as of uncertain significance.

Labcorp Genetics (formerly Invitae), Labcorp
Classification: Uncertain significance for Neutropenia, severe congenital, 1, autosomal dominant; Cyclical neutropenia. Last evaluated: 2022-05-12. Review status: criteria provided, single submitter. Criteria: Invitae Variant Classification Sherloc (09022015). Collection method: clinical testing. Allele origin: germline.
Comment: In summary, the available evidence is currently insufficient to determine the role of this variant in disease. Therefore, it has been classified as a Variant of Uncertain Significance. Algorithms developed to predict the effect of missense changes on protein structure and function are either unavailable or do not agree on the potential impact of this missense change (SIFT: "Deleterious"; PolyPhen-2: "Benign"; Align-GVGD: "Class C0"). ClinVar contains an entry for this variant (Variation ID: 566655). This variant has not been reported in the literature in individuals affected with ELANE-related conditions. This variant is present in population databases (rs538255080, gnomAD 0.006%). This sequence change replaces alanine, which is neutral and non-polar, with valine, which is neutral and non-polar, at codon 140 of the ELANE protein (p.Ala140Val).

NM_001972.4(ELANE):c.419C>T (p.Ala140Val)

Gene: ELANE (elastase, neutrophil expressed; plus strand). Cytogenetic location: 19p13.3.
Variant type: single nucleotide variant.
Coding change: c.419C>T on transcript NM_001972.4 (MANE Select); coding-DNA position 419, C replaced by T.
Protein change: p.Ala140Val; replaces alanine 140 with valine.
Molecular consequence: missense variant.
Genome position (GRCh38, 1-based): chr19:855,616, C>T. VCF-style: chr19-855616-C-T. GRCh37 (hg19) VCF-style: chr19-855616-C-T.
Other names: c.419C>T (LRG_57t1); short protein forms A140V.
Identifiers: ClinVar variation 566655 (VCV000566655.13), dbSNP rs538255080, ClinGen allele CA9026052.